The following is an entry in ClinVar:

ClinVar aggregate classification (germline): Pathogenic (1 of 4 stars; one submission).

Conditions:
Renal tubular acidosis with progressive nerve deafness. Also called: RENAL TUBULAR ACIDOSIS, AUTOSOMAL RECESSIVE, WITH PROGRESSIVE NERVE DEAFNESS; RTA WITH PROGRESSIVE NERVE DEAFNESS; Distal Renal Tubular Acidosis with Progressive Sensorineural Deafness; renal tubular acidosis, distal, 2, with progressive sensorineural hearing loss. Identifiers: MedGen C0403554, MONDO:0009968, OMIM 267300.

Submission:

Myriad Genetics, Inc.
Classification: Pathogenic for Renal tubular acidosis with progressive nerve deafness. Last evaluated: 2025-06-27. Review status: criteria provided, single submitter. Criteria: Myriad Autosomal Dominant, Autosomal Recessive and X-Linked Classification Criteria (2023). Collection method: clinical testing. Allele origin: unknown.
Comment: NM_001692.3(ATP6V1B1):c.397delA(I133Lfs*31) is expected to be pathogenic in the context of distal renal tubular acidosis with deafness, ATP6V1B1-related. This variant is predicted to lead to an abnormal or absent protein product due to the creation of a premature termination codon in ATP6V1B1, a gene where loss-of-function variants are known to be pathogenic. Please note: this variant was assessed in the context of healthy population screening.

NM_001692.4(ATP6V1B1):c.397del (p.Ile133fs)

Gene: ATP6V1B1 (ATPase H+ transporting V1 subunit B1; plus strand). Cytogenetic location: 2p13.3.
Variant type: Deletion.
Coding change: c.397del on transcript NM_001692.4 (MANE Select); coding-DNA position 397, one base deleted (A; older notation c.397delA).
Protein change: p.Ile133fs; shifts the reading frame from isoleucine 133.
Molecular consequence: frameshift variant.
Genome position (GRCh38, 1-based): chr2:70,959,047, A deleted. VCF-style (leftmost placement, unchanged base first): chr2-70959046-CA-C. GRCh37 (hg19) VCF-style: chr2-71186176-CA-C.
Other names: short protein forms I133fs.
Identifiers: ClinVar variation 5014651 (VCV005014651.1).